The following is an entry in ClinVar:

ClinVar aggregate classification (germline): Uncertain significance (1 of 4 stars; one submission).

Submission:

GeneDx
Classification: Uncertain significance. Last evaluated: 2016-09-12. Review status: criteria provided, single submitter. Criteria: GeneDx Variant Classification (06012015). Collection method: clinical testing. Allele origin: germline. Affected: yes.
Comment: The c.-22 A>C variant has not been published as a pathogenic variant, nor has it been reported as a benign variant to our knowledge. It was not observed in approximately 6,500 individuals of European and African American ancestry in the NHLBI Exome Sequencing Project, indicating it is not a common benign variant in these populations. The nucleotide substitution occurs at a position that is conserved in mammals. However, to our knowledge, no regulatory pathogenic variants have been reported in the SPRED1 gene. Therefore, based on the currently available information, it is unclear whether this variant is a pathogenic variant or a rare benign variant.

NM_152594.3(SPRED1):c.-22A>C

Gene: SPRED1 (sprouty related EVH1 domain containing 1; plus strand). Cytogenetic location: 15q14.
Variant type: single nucleotide variant.
Coding change: c.-22A>C on transcript NM_152594.3 (MANE Select); 22 bases upstream of the start codon, A replaced by C.
Molecular consequence: 5 prime UTR variant.
Genome position (GRCh38, 1-based): chr15:38,253,164, A>C. VCF-style: chr15-38253164-A-C. GRCh37 (hg19) VCF-style: chr15-38545365-A-C.
Identifiers: ClinVar variation 373016 (VCV000373016.1), dbSNP rs1057518143, ClinGen allele CA16042944.
Genomic context (GRCh38, chr15:38,253,164, plus strand): 5'-GCCTCCTGCCCCTCGGTGCTGCTGTTGCTCCCCCGCCTGCTGTTGCTCCTCCATCTCCAG[A>C]TCGGATCACGGTGAGGGAAAGATGAGCGAGGAGACGGCGACTTCTGACAACGAGTAAGCG-3'